The following is an entry in ClinVar:

ClinVar aggregate classification (germline): Conflicting classifications of pathogenicity. Review status: criteria provided, conflicting classifications (1 of 4 stars). 2 submissions from 2 submitters: Uncertain significance (1); Likely benign (1). Last evaluated 2026-01-28.

Conditions:
Hypokalemic periodic paralysis, type 1. Also called: HypoPP; Hypokalemic Periodic Paralysis Type 1 (AD). Identifiers: Orphanet 681, MedGen C3714580, MONDO:0042979, OMIM 170400.
Malignant hyperthermia, susceptibility to, 5 (MHS5). Also called: CACNA1S-Related Malignant Hyperthermia Susceptibility. Identifiers: Orphanet 423, MedGen C1866077, MONDO:0011163, OMIM 601887.

Allele frequency attached by ClinVar (database versions not stated): gnomAD exomes 0.00001 and 0.00002; TOPMed 0.00001; ExAC 0.00003.

Submissions (2):

Labcorp Genetics (formerly Invitae), Labcorp
Classification: Likely benign for Hypokalemic periodic paralysis, type 1; Malignant hyperthermia, susceptibility to, 5. Last evaluated: 2026-01-28. Review status: criteria provided, single submitter. Criteria: Invitae Variant Classification Sherloc (09022015). Collection method: clinical testing. Allele origin: germline.

Color Diagnostics, LLC DBA Color Health
Classification: Uncertain significance for Malignant hyperthermia, susceptibility to, 5. Last evaluated: 2023-07-20. Review status: criteria provided, single submitter. Criteria: ACMG Guidelines, 2015. Collection method: clinical testing. Allele origin: germline.
Comment: This missense variant replaces alanine with threonine at codon 1813 of the CACNA1S protein. Computational prediction suggests that this variant may not impact protein structure and function. To our knowledge, functional studies have not been reported for this variant. This variant has not been reported in individuals affected with CACNA1S-related disorders in the literature. This variant has been identified in 5/251296 chromosomes in the general population by the Genome Aggregation Database (gnomAD). The available evidence is insufficient to determine the role of this variant in disease conclusively. Therefore, this variant is classified as a Variant of Uncertain Significance.

NM_000069.3(CACNA1S):c.5437G>A (p.Ala1813Thr)

Gene: CACNA1S (calcium voltage-gated channel subunit alpha1 S; minus strand). Cytogenetic location: 1q32.1.
Variant type: single nucleotide variant.
Coding change: c.5437G>A on transcript NM_000069.3 (MANE Select); coding-DNA position 5437, G replaced by A.
Protein change: p.Ala1813Thr; replaces alanine 1813 with threonine.
Molecular consequence: missense variant.
Genome position (GRCh38, 1-based): chr1:201,040,016, C>T on the plus strand (G>A on the coding strand, the complement: CACNA1S is on the minus strand). VCF-style: chr1-201040016-C-T. GRCh37 (hg19) VCF-style: chr1-201009144-C-T.
Other names: short protein forms A1813T.
Identifiers: ClinVar variation 1387363 (VCV001387363.7), dbSNP rs777333498, ClinGen allele CA083874.